The following is an entry in ClinVar:

ClinVar aggregate classification (germline): Pathogenic (1 of 4 stars; one submission).

Allele frequency attached by ClinVar (database versions not stated): gnomAD exomes below 0.00001.

Submission:

Labcorp Genetics (formerly Invitae), Labcorp
Classification: Pathogenic. Last evaluated: 2024-05-23. Review status: criteria provided, single submitter. Criteria: Invitae Variant Classification Sherloc (09022015). Collection method: clinical testing. Allele origin: germline.
Comment: This sequence change creates a premature translational stop signal (p.Ser147Phefs*67) in the LTBP4 gene. It is expected to result in an absent or disrupted protein product. Loss-of-function variants in LTBP4 are known to be pathogenic (PMID: 19836010, 22829427). This variant is present in population databases (no rsID available, gnomAD 0.0009%). This variant has not been reported in the literature in individuals affected with LTBP4-related conditions. For these reasons, this variant has been classified as Pathogenic.

Literature cited by the submitters: PubMed 19836010; PubMed 22829427.

NM_001042545.2(LTBP4):c.349dup (p.Ser117fs)

Gene: LTBP4 (latent transforming growth factor beta binding protein 4; plus strand). Cytogenetic location: 19q13.2.
Variant type: Duplication.
Coding change: c.349dup on transcript NM_001042545.2 (MANE Select); coding-DNA position 349, one base duplicated (T; older notation c.349dupT).
Protein change: p.Ser117fs; shifts the reading frame from serine 117.
Molecular consequence: frameshift variant.
Genome position (GRCh38, 1-based): chr19:40,605,133, T duplicated. VCF-style (leftmost placement, unchanged base first): chr19-40605132-C-CT. GRCh37 (hg19) VCF-style: chr19-41111038-C-CT.
Other names: c.550dup, p.Ser184fs (NM_001042544.1); c.439dup, p.Ser147fs (NM_003573.2); short protein forms S184fs, S147fs, S117fs.
Identifiers: ClinVar variation 2789934 (VCV002789934.3), dbSNP rs1361568839, ClinGen allele CA633466859.